The following is an entry in ClinVar:

ClinVar aggregate classification (germline): Uncertain significance. Review status: criteria provided, multiple submitters, no conflicts (2 of 4 stars). 2 submissions from 2 submitters: Uncertain significance (2). Last evaluated 2022-06-06.

Conditions:
Inborn genetic diseases. Identifiers: MedGen C0950123, MeSH D030342.

Allele frequency attached by ClinVar (database versions not stated): gnomAD 0.00004 and 0.00005; gnomAD exomes 0.00005; TOPMed 0.00005; ExAC 0.00007; ESP Exome Variant Server 0.00008.
gnomAD v4.1: 62 of 1,612,452 alleles (0.0038%); highest among the groups gnomAD compares: East Asian, 0.018%; no homozygotes.

Submissions (2):

Labcorp Genetics (formerly Invitae), Labcorp
Classification: Uncertain significance. Last evaluated: 2022-06-06. Review status: criteria provided, single submitter. Criteria: Invitae Variant Classification Sherloc (09022015). Collection method: clinical testing. Allele origin: germline.
Comment: This sequence change replaces arginine, which is basic and polar, with histidine, which is basic and polar, at codon 710 of the DENND5A protein (p.Arg710His). This variant is present in population databases (rs143720019, gnomAD 0.02%). This variant has not been reported in the literature in individuals affected with DENND5A-related conditions. ClinVar contains an entry for this variant (Variation ID: 520731). Algorithms developed to predict the effect of missense changes on protein structure and function (SIFT, PolyPhen-2, Align-GVGD) all suggest that this variant is likely to be tolerated. In summary, the available evidence is currently insufficient to determine the role of this variant in disease. Therefore, it has been classified as a Variant of Uncertain Significance.

Ambry Genetics
Classification: Uncertain significance for Hereditary disease. Last evaluated: 2017-03-13. Review status: criteria provided, single submitter. Criteria: ambry_reporting_categories_2017. Collection method: clinical testing. Allele origin: germline. Affected: yes. Observed: 1 heterozygote. Segregation with disease observed.
Comment: Lines of evidence used in support of classification: UNCERTAIN: Alteration(s) of Uncertain Clinical Significance Detected

Literature cited by the submitters: PubMed 27431290 (cited by Ambry Genetics); PubMed 27866705 (cited by Ambry Genetics).

NM_015213.4(DENND5A):c.2129G>A (p.Arg710His)

Genes: DENND5A (DENN domain containing 5A; minus strand), LOC126861134 (CDK7 strongly-dependent group 2 enhancer GRCh37_chr11:9190693-9191892; plus strand). Cytogenetic location: 11p15.4.
Variant type: single nucleotide variant.
Coding change: c.2129G>A on transcript NM_015213.4 (MANE Select); coding-DNA position 2129, G replaced by A.
Protein change: p.Arg710His; replaces arginine 710 with histidine.
Molecular consequence: missense variant. On other transcripts: non-coding transcript variant (1).
Genome position (GRCh38, 1-based): chr11:9,169,878, C>T on the plus strand (G>A on the coding strand, the complement: DENND5A is on the minus strand). VCF-style: chr11-9169878-C-T. GRCh37 (hg19) VCF-style: chr11-9191425-C-T.
Other names: c.2129G>A, p.Arg710His (NM_001243254.2); c.2057G>A, p.Arg686His (NM_001348749.2); c.1841G>A, p.Arg614His (NM_001348750.2); short protein forms R710H, R614H, R686H.
Identifiers: ClinVar variation 520731 (VCV000520731.5), dbSNP rs143720019, ClinGen allele CA5877424.
Genomic context (GRCh38, chr11:9,169,878, plus strand): 5'-ATAGCAAGGTCATCCTTATCATTCTTAAGGTATCTTACCTCCCTCTGGTCATTATCTAAA[C>T]GCAGGTGTTCTGTGTGCTGCTTCTGCCGATCTTTCCGCCTCCACTGGGCAGGGGCATTCC-3'
Protein context (NP_056028.2, residues 700-720): DRQKQHTEHL[Arg710His]LDNDQREKYI